The following is an entry in ClinVar:

ClinVar aggregate classification (germline): Uncertain significance (1 of 4 stars; one submission).

Conditions:
Dilated cardiomyopathy 1AA (CMD1AA). Also called: Cardiomyopathy, dilated, 1AA, with or without LVNC; CARDIOMYOPATHY, DILATED, 1AA, WITH OR WITHOUT LEFT VENTRICULAR NONCOMPACTION; CARDIOMYOPATHY, FAMILIAL HYPERTROPHIC, 23, WITH OR WITHOUT LEFT VENTRICULAR NONCOMPACTION. Identifiers: Orphanet 154, MedGen C2677338, MONDO:0012808, OMIM 612158.
Primary familial hypertrophic cardiomyopathy (HCM). Identifiers: Orphanet 99739, MedGen C0949658, MeSH D024741, MONDO:0024573. Inheritance: Various modes of inheritance.

Submission:

Labcorp Genetics (formerly Invitae), Labcorp
Classification: Uncertain significance for Primary familial hypertrophic cardiomyopathy; Dilated cardiomyopathy 1AA. Last evaluated: 2025-02-05. Review status: criteria provided, single submitter. Criteria: Invitae Variant Classification Sherloc (09022015). Collection method: clinical testing. Allele origin: germline.
Comment: This sequence change replaces threonine, which is neutral and polar, with isoleucine, which is neutral and non-polar, at codon 556 of the ACTN2 protein (p.Thr556Ile). This variant is not present in population databases (gnomAD no frequency). This variant has not been reported in the literature in individuals affected with ACTN2-related conditions. ClinVar contains an entry for this variant (Variation ID: 2075316). Invitae Evidence Modeling of protein sequence and biophysical properties (such as structural, functional, and spatial information, amino acid conservation, physicochemical variation, residue mobility, and thermodynamic stability) indicates that this missense variant is not expected to disrupt ACTN2 protein function with a negative predictive value of 80%. In summary, the available evidence is currently insufficient to determine the role of this variant in disease. Therefore, it has been classified as a Variant of Uncertain Significance.

NM_001103.4(ACTN2):c.1667C>T (p.Thr556Ile)

Gene: ACTN2 (actinin alpha 2; plus strand). Cytogenetic location: 1q43.
Variant type: single nucleotide variant.
Coding change: c.1667C>T on transcript NM_001103.4 (MANE Select); coding-DNA position 1667, C replaced by T.
Protein change: p.Thr556Ile; replaces threonine 556 with isoleucine.
Molecular consequence: missense variant.
Genome position (GRCh38, 1-based): chr1:236,751,480, C>T. VCF-style: chr1-236751480-C-T. GRCh37 (hg19) VCF-style: chr1-236914780-C-T.
Other names: c.1667C>T, p.Thr556Ile (NM_001278343.2); c.1043C>T, p.Thr348Ile (NM_001278344.2); c.917C>T, p.Thr306Ile (NM_001412150.1); short protein forms T556I, T306I, T348I.
Identifiers: ClinVar variation 2075316 (VCV002075316.4), dbSNP rs2527635522, ClinGen allele CA345385680.